The following is an entry in ClinVar:

NM_004304.5(ALK):c.2914+2T>C

Gene: ALK (ALK receptor tyrosine kinase; minus strand). Cytogenetic location: 2p23.2.
Variant type: single nucleotide variant.
Coding change: c.2914+2T>C on transcript NM_004304.5 (MANE Select); the canonical splice donor site of the intron after coding-DNA position 2914, T replaced by C.
Molecular consequence: splice donor variant.
Genome position (GRCh38, 1-based): chr2:29,227,572, A>G on the plus strand (T>C on the coding strand, the complement: ALK is on the minus strand). VCF-style: chr2-29227572-A-G. GRCh37 (hg19) VCF-style: chr2-29450438-A-G.
Identifiers: ClinVar variation 3854968 (VCV003854968.1).

ClinVar aggregate classification (germline): Uncertain significance (1 of 4 stars; one submission).

Conditions:
Hereditary cancer-predisposing syndrome. Also called: Hereditary neoplastic syndrome; Neoplastic Syndromes, Hereditary; Tumor predisposition; Hereditary Cancer Syndrome. Identifiers: Orphanet 140162, MedGen C0027672, MeSH D009386, MONDO:0015356.

Submission:

Ambry Genetics
Classification: Uncertain significance for Hereditary cancer-predisposing syndrome. Last evaluated: 2025-01-02. Review status: criteria provided, single submitter. Criteria: Ambry Variant Classification Scheme 2023. Collection method: clinical testing. Allele origin: germline.
Comment: The c.2914+2T>C intronic variant results from a T to C substitution two nucleotides after coding exon 17 in the ALK gene. This nucleotide position is highly conserved in available vertebrate species. In silico splice site analysis predicts that this alteration will weaken the native splice donor site and may result in the creation or strengthening of a novel splice donor site. Alterations that disrupt the canonical splice site are expected to cause aberrant splicing, resulting in an abnormal protein or a transcript that is subject to nonsense-mediated mRNA decay; however, +2T>C alterations are capable of generating wild-type transcripts in some genomic contexts and should be interpreted with caution (Lin JH et al. Hum Mutat. 2019 10;40:1856-1873). Additionally, loss of function of ALK has not been established as a mechanism of disease. Based on the available evidence, the clinical significance of this alteration remains unclear.